The following is an entry in ClinVar:

NM_030957.4(ADAMTS10):c.2708_2717dup (p.Ser906fs)

Gene: ADAMTS10 (ADAM metallopeptidase with thrombospondin type 1 motif 10; minus strand). Cytogenetic location: 19p13.2.
Variant type: Duplication.
Coding change: c.2708_2717dup on transcript NM_030957.4 (MANE Select); coding-DNA positions 2708 to 2717, 10 bases duplicated (GCGTGCGCAG; older notation c.2708_2717dupGCGTGCGCAG).
Protein change: p.Ser906fs; shifts the reading frame from serine 906.
Molecular consequence: frameshift variant.
Genome position (GRCh38, 1-based): chr19:8,585,604-8,585,613, CTGCGCACGC duplicated on the plus strand (GCGTGCGCAG on the coding strand, the reverse complement: ADAMTS10 is on the minus strand); duplicating any 10 consecutive bases within chr19:8,585,604-8,585,617 gives the same sequence; the c. name uses the placement nearest the transcript's 3' end. VCF-style (leftmost placement, unchanged base first): chr19-8585603-G-GCTGCGCACGC. GRCh37 (hg19) VCF-style: chr19-8650487-G-GCTGCGCACGC.
Other names: c.1169_1178dup, p.Ser393fs (NM_001282352.2); short protein forms S393fs, S906fs.
Identifiers: ClinVar variation 3642189 (VCV003642189.2).
Genomic context (GRCh38, chr19:8,585,603, plus strand): 5'-GCTGTCGTCCAGCGCCTTCTCCTCCGCGGCAGAGACGCGGCGCTGGCACACGACCGAGCG[G>GCTGCGCACGC]CTGCGCACGCCTGCATCGCAGCTGCGGCTGCAGAGCGACCAGTTCCCTACAACCCAGCTG-3'

ClinVar aggregate classification (germline): Pathogenic (1 of 4 stars; one submission).

Submission:

Labcorp Genetics (formerly Invitae), Labcorp
Classification: Pathogenic. Last evaluated: 2024-02-20. Review status: criteria provided, single submitter. Criteria: Invitae Variant Classification Sherloc (09022015). Collection method: clinical testing. Allele origin: germline.
Comment: This sequence change creates a premature translational stop signal (p.Ser906Argfs*53) in the ADAMTS10 gene. It is expected to result in an absent or disrupted protein product. Loss-of-function variants in ADAMTS10 are known to be pathogenic (PMID: 15368195, 18567016). This variant is not present in population databases (gnomAD no frequency). This variant has not been reported in the literature in individuals affected with ADAMTS10-related conditions. For these reasons, this variant has been classified as Pathogenic.

Literature cited by the submitters: PubMed 15368195; PubMed 18567016.